The following is an entry in ClinVar:

NM_001011547.3(SLC5A9):c.1686C>A (p.Arg562=)

Gene: SLC5A9 (solute carrier family 5 member 9; plus strand). Cytogenetic location: 1p33.
Variant type: single nucleotide variant.
Coding change: c.1686C>A on transcript NM_001011547.3 (MANE Select); coding-DNA position 1686, C replaced by A.
Protein change: p.Arg562=; no amino-acid change (arginine 562 retained).
Molecular consequence: synonymous variant.
Genome position (GRCh38, 1-based): chr1:48,242,465, C>A. VCF-style: chr1-48242465-C-A. GRCh37 (hg19) VCF-style: chr1-48708137-C-A.
Other names: c.1761C>A, p.Arg587= (NM_001135181.2).
Identifiers: ClinVar variation 3034940 (VCV003034940.2), dbSNP rs138087820, ClinGen allele CA843991.

ClinVar aggregate classification (germline): Likely benign (0 of 4 stars; one submission).

Conditions:
SLC5A9-related disorder. Also called: SLC5A9-related condition.

Allele frequency attached by ClinVar (database versions not stated): 1000 Genomes Project 30x 0.00078; 1000 Genomes Project 0.00080; ExAC 0.00135; gnomAD exomes 0.00192; ESP Exome Variant Server 0.00200.
gnomAD v4.1: 3,018 of 1,605,552 alleles (0.19%); highest among the groups gnomAD compares: Middle Eastern, 0.25%; 6 homozygotes.

Submission:

PreventionGenetics, part of Exact Sciences
Classification: Likely benign for SLC5A9-related condition. Last evaluated: 2019-08-12. Review status: no assertion criteria provided. Collection method: clinical testing. Allele origin: germline.
Comment: This variant is classified as likely benign based on ACMG/AMP sequence variant interpretation guidelines (Richards et al. 2015 PMID: 25741868, with internal and published modifications).